The following is an entry in ClinVar:

ClinVar aggregate classification (germline): Uncertain significance. Review status: criteria provided, multiple submitters, no conflicts (2 of 4 stars). 3 submissions from 3 submitters: Uncertain significance (3). Last evaluated 2023-11-23.

Conditions:
Ehlers-Danlos syndrome (EDS). Identifiers: Orphanet 98249, MedGen C0013720, MONDO:0020066.
Familial thoracic aortic aneurysm and aortic dissection (TAAD). Also called: Thoracic aortic aneurysms and dissections. Identifiers: Orphanet 91387, MedGen C4707243, MONDO:0019625.
Ehlers-Danlos syndrome, kyphoscoliotic type 1 (EDSKSCL1). Also called: EHLERS-DANLOS SYNDROME, OCULAR-SCOLIOTIC TYPE; PLOD1-Related Kyphoscoliotic Ehlers-Danlos Syndrome; Ehlers-Danlos syndrome, hydroxylysine-deficient; EHLERS-DANLOS SYNDROME, TYPE VIA. Identifiers: Orphanet 1900, MedGen C0268342, MONDO:0016002, OMIM 225400. Disease mechanism: loss of function.

Allele frequency attached by ClinVar (database versions not stated): TOPMed below 0.00001; gnomAD 0.00001; gnomAD exomes 0.00002.
gnomAD v4.1: 36 of 1,613,940 alleles (0.0022%); highest among the groups gnomAD compares: Non-Finnish European, 0.003%; no homozygotes.

Submissions (3):

Ambry Genetics
Classification: Uncertain significance for Familial thoracic aortic aneurysm and aortic dissection. Last evaluated: 2023-11-23. Review status: criteria provided, single submitter. Criteria: Ambry Variant Classification Scheme 2023. Collection method: clinical testing. Allele origin: germline.
Comment: The p.I664V variant (also known as c.1990A>G), located in coding exon 18 of the PLOD1 gene, results from an A to G substitution at nucleotide position 1990. The isoleucine at codon 664 is replaced by valine, an amino acid with highly similar properties. This amino acid position is conserved. In addition, this alteration is predicted to be tolerated by in silico analysis. Since supporting evidence is limited at this time, the clinical significance of this alteration remains unclear.

Genome Diagnostics Laboratory, The Hospital for Sick Children
Classification: Uncertain significance for Ehlers-Danlos syndrome. Last evaluated: 2019-12-01. Review status: criteria provided, single submitter. Criteria: ACMG Guidelines, 2015. Collection method: clinical testing. Allele origin: germline.

Labcorp Genetics (formerly Invitae), Labcorp
Classification: Uncertain significance for Ehlers-Danlos syndrome, hydroxylysine-deficient. Last evaluated: 2019-07-01. Review status: criteria provided, single submitter. Criteria: Invitae Variant Classification Sherloc (09022015). Collection method: clinical testing. Allele origin: germline.
Comment: This sequence change replaces isoleucine with valine at codon 664 of the PLOD1 protein (p.Ile664Val). The isoleucine residue is highly conserved and there is a small physicochemical difference between isoleucine and valine. This variant is not present in population databases (ExAC no frequency). This variant has not been reported in the literature in individuals with PLOD1-related conditions. Algorithms developed to predict the effect of missense changes on protein structure and function output the following: SIFT: "Tolerated"; PolyPhen-2: "Benign"; Align-GVGD: "Class C0". The valine amino acid residue is found in multiple mammalian species, suggesting that this missense change does not adversely affect protein function. These predictions have not been confirmed by published functional studies and their clinical significance is uncertain. In summary, the available evidence is currently insufficient to determine the role of this variant in disease. Therefore, it has been classified as a Variant of Uncertain Significance.

NM_000302.4(PLOD1):c.1990A>G (p.Ile664Val)

Gene: PLOD1 (procollagen-lysine,2-oxoglutarate 5-dioxygenase 1; plus strand). Cytogenetic location: 1p36.22.
Variant type: single nucleotide variant.
Coding change: c.1990A>G on transcript NM_000302.4 (MANE Select); coding-DNA position 1990, A replaced by G.
Protein change: p.Ile664Val; replaces isoleucine 664 with valine.
Molecular consequence: missense variant.
Genome position (GRCh38, 1-based): chr1:11,972,959, A>G. VCF-style: chr1-11972959-A-G. GRCh37 (hg19) VCF-style: chr1-12033016-A-G.
Other names: c.2131A>G, p.Ile711Val (NM_001316320.2); short protein forms I664V, I711V.
Identifiers: ClinVar variation 937609 (VCV000937609.5), dbSNP rs1487304416, ClinGen allele CA338452432.